The following is an entry in ClinVar:

NM_014975.3(MAST1):c.2762T>C (p.Met921Thr)

Gene: MAST1 (microtubule associated serine/threonine kinase 1; plus strand). Cytogenetic location: 19p13.13.
Variant type: single nucleotide variant.
Coding change: c.2762T>C on transcript NM_014975.3 (MANE Select); coding-DNA position 2762, T replaced by C.
Protein change: p.Met921Thr; replaces methionine 921 with threonine.
Molecular consequence: missense variant.
Genome position (GRCh38, 1-based): chr19:12,868,838, T>C. VCF-style: chr19-12868838-T-C. GRCh37 (hg19) VCF-style: chr19-12979652-T-C.
Other names: short protein forms M921T.
Identifiers: ClinVar variation 2502498 (VCV002502498.1), dbSNP rs2512540565, ClinGen allele CA404282283.
Genomic context (GRCh38, chr19:12,868,838, plus strand): 5'-GGCCTTCTCGAACTGGGGGCAAAGTCATCAAATCAGCCTCAGCCACTGCCTTATCTGTCA[T>C]GATTCCTGCAGGTAATGCTGGGCCCCACCTGGCAGGGGAGGGGCTGCCCCCCATTTGAGG-3'
Protein context (NP_055790.1, residues 911-931): KSASATALSV[Met921Thr]IPAVDPHGSS

ClinVar aggregate classification (germline): Uncertain significance (1 of 4 stars; one submission).

Submission:

GeneDx
Classification: Uncertain significance. Last evaluated: 2022-11-21. Review status: criteria provided, single submitter. Criteria: GeneDx Variant Classification Process June 2021. Collection method: clinical testing. Allele origin: germline. Affected: yes.
Comment: Not observed at significant frequency in large population cohorts (gnomAD); In silico analysis supports that this missense variant has a deleterious effect on protein structure/function; Has not been previously published as pathogenic or benign to our knowledge